The following is an entry in ClinVar:

NM_003000.3(SDHB):c.52C>G (p.Leu18Val)

Genes: SDHB (succinate dehydrogenase complex iron sulfur subunit B; minus strand), LOC129929542 (ATAC-STARR-seq lymphoblastoid active region 277; plus strand). Cytogenetic location: 1p36.13.
Variant type: single nucleotide variant.
Coding change: c.52C>G on transcript NM_003000.3 (MANE Select); coding-DNA position 52, C replaced by G.
Protein change: p.Leu18Val; replaces leucine 18 with valine.
Molecular consequence: missense variant.
Genome position (GRCh38, 1-based): chr1:17,053,968, G>C on the plus strand (C>G on the coding strand, the complement: SDHB is on the minus strand). VCF-style: chr1-17053968-G-C. GRCh37 (hg19) VCF-style: chr1-17380463-G-C.
Other names: c.52C>G, p.Leu18Val (NM_001407361.1); short protein forms L18V.
Identifiers: ClinVar variation 3316901 (VCV003316901.1).

ClinVar aggregate classification (germline): Uncertain significance (1 of 4 stars; one submission).

Conditions:
Hereditary cancer-predisposing syndrome. Also called: Neoplastic Syndromes, Hereditary; Tumor predisposition; Hereditary neoplastic syndrome; Hereditary Cancer Syndrome. Identifiers: Orphanet 140162, MedGen C0027672, MeSH D009386, MONDO:0015356.

Submission:

Ambry Genetics
Classification: Uncertain significance for Hereditary cancer-predisposing syndrome. Last evaluated: 2024-05-31. Review status: criteria provided, single submitter. Criteria: Ambry Variant Classification Scheme 2023. Collection method: clinical testing. Allele origin: germline.
Comment: The p.L18V variant (also known as c.52C>G), located in coding exon 1 of the SDHB gene, results from a C to G substitution at nucleotide position 52. The leucine at codon 18 is replaced by valine, an amino acid with highly similar properties. This amino acid position is conserved. In addition, this alteration is predicted to be tolerated by in silico analysis. Based on the available evidence, the clinical significance of this variant remains unclear.